The following is an entry in ClinVar:

NM_152618.3(BBS12):c.2037A>C (p.Leu679Phe)

Gene: BBS12 (Bardet-Biedl syndrome 12; plus strand). Cytogenetic location: 4q27.
Variant type: single nucleotide variant.
Coding change: c.2037A>C on transcript NM_152618.3 (MANE Select); coding-DNA position 2037, A replaced by C.
Protein change: p.Leu679Phe; replaces leucine 679 with phenylalanine.
Molecular consequence: missense variant.
Genome position (GRCh38, 1-based): chr4:122,743,929, A>C. VCF-style: chr4-122743929-A-C. GRCh37 (hg19) VCF-style: chr4-123665084-A-C.
Other names: c.2037A>C, p.Leu679Phe (NM_001178007.2); short protein forms L679F.
Identifiers: ClinVar variation 1443826 (VCV001443826.4), dbSNP rs1553941612, ClinGen allele CA358226422.

ClinVar aggregate classification (germline): Uncertain significance (1 of 4 stars; one submission).

Conditions:
Bardet-Biedl syndrome (BBS). Identifiers: Orphanet 110, MedGen C0752166, MONDO:0015229.

Submission:

Labcorp Genetics (formerly Invitae), Labcorp
Classification: Uncertain significance for Bardet-Biedl syndrome. Last evaluated: 2022-09-01. Review status: criteria provided, single submitter. Criteria: Invitae Variant Classification Sherloc (09022015). Collection method: clinical testing. Allele origin: germline.
Comment: This sequence change replaces leucine, which is neutral and non-polar, with phenylalanine, which is neutral and non-polar, at codon 679 of the BBS12 protein (p.Leu679Phe). This variant is not present in population databases (gnomAD no frequency). This variant has not been reported in the literature in individuals affected with BBS12-related conditions. ClinVar contains an entry for this variant (Variation ID: 1443826). Algorithms developed to predict the effect of missense changes on protein structure and function are either unavailable or do not agree on the potential impact of this missense change (SIFT: "Deleterious"; PolyPhen-2: "Probably Damaging"; Align-GVGD: "Class C0"). In summary, the available evidence is currently insufficient to determine the role of this variant in disease. Therefore, it has been classified as a Variant of Uncertain Significance.